The following is an entry in ClinVar:

NM_182961.4(SYNE1):c.14069T>C (p.Leu4690Pro)

Gene: SYNE1 (spectrin repeat containing nuclear envelope protein 1; minus strand). Cytogenetic location: 6q25.2.
Variant type: single nucleotide variant.
Coding change: c.14069T>C on transcript NM_182961.4 (MANE Select); coding-DNA position 14069, T replaced by C.
Protein change: p.Leu4690Pro; replaces leucine 4690 with proline.
Molecular consequence: missense variant.
Genome position (GRCh38, 1-based): chr6:152,330,616, A>G on the plus strand (T>C on the coding strand, the complement: SYNE1 is on the minus strand). VCF-style: chr6-152330616-A-G. GRCh37 (hg19) VCF-style: chr6-152651751-A-G.
Other names: c.13856T>C, p.Leu4619Pro (NM_033071.5); short protein forms L4619P, L4690P.
Identifiers: ClinVar variation 497837 (VCV000497837.6), dbSNP rs1425996795, ClinGen allele CA366098797.

ClinVar aggregate classification (germline): Uncertain significance. Review status: criteria provided, multiple submitters, no conflicts (2 of 4 stars). 2 submissions from 2 submitters: Uncertain significance (2). Last evaluated 2022-05-27.

Allele frequency attached by ClinVar (database versions not stated): gnomAD 0.00001; gnomAD exomes below 0.00001; TOPMed 0.00002.
gnomAD v4.1: 7 of 1,613,434 alleles (0.00043%); highest among the groups gnomAD compares: African/African-American, 0.0013%; no homozygotes.

Submissions (2):

GeneDx
Classification: Uncertain significance. Last evaluated: 2022-05-27. Review status: criteria provided, single submitter. Criteria: GeneDx Variant Classification Process June 2021. Collection method: clinical testing. Allele origin: germline. Affected: yes.
Comment: Has not been previously published as pathogenic or benign to our knowledge; Not observed at significant frequency in large population cohorts (gnomAD); In silico analysis supports that this missense variant has a deleterious effect on protein structure/function

Eurofins Ntd Llc (ga)
Classification: Uncertain significance. Last evaluated: 2017-01-03. Review status: criteria provided, single submitter. Criteria: EGL Classification Definitions 2015. Collection method: clinical testing. Allele origin: germline. Observed: 2 variant alleles, 2 heterozygotes.